The following is an entry in ClinVar:

NM_001134407.3(GRIN2A):c.3814G>A (p.Ala1272Thr)

Gene: GRIN2A (glutamate ionotropic receptor NMDA type subunit 2A; minus strand). Cytogenetic location: 16p13.2.
Variant type: single nucleotide variant.
Coding change: c.3814G>A on transcript NM_001134407.3 (MANE Select); coding-DNA position 3814, G replaced by A.
Protein change: p.Ala1272Thr; replaces alanine 1272 with threonine.
Molecular consequence: missense variant. On other transcripts: intron variant (1).
Genome position (GRCh38, 1-based): chr16:9,763,730, C>T on the plus strand (G>A on the coding strand, the complement: GRIN2A is on the minus strand). VCF-style: chr16-9763730-C-T. GRCh37 (hg19) VCF-style: chr16-9857587-C-T.
Other names: c.3814G>A, p.Ala1272Thr (NM_000833.5); c.3772+42G>A (NM_001134408.2); short protein forms A1272T.
Identifiers: ClinVar variation 2704074 (VCV002704074.3), dbSNP rs1363459634, ClinGen allele CA394706791.

ClinVar aggregate classification (germline): Uncertain significance (1 of 4 stars; one submission).

Conditions:
Landau-Kleffner syndrome (FESD). Also called: APHASIA, ACQUIRED, WITH EPILEPSY; EPILEPSY, FOCAL, WITH SPEECH DISORDER AND WITH OR WITHOUT MENTAL RETARDATION. Identifiers: Orphanet 1945, Orphanet 725, Orphanet 98818, MedGen C0282512, MONDO:0009509, OMIM 245570.

gnomAD v4.1: 4 of 1,614,124 alleles (0.00025%); highest among the groups gnomAD compares: Non-Finnish European, 0.00034%; no homozygotes.

Submission:

Labcorp Genetics (formerly Invitae), Labcorp
Classification: Uncertain significance for Landau-Kleffner syndrome. Last evaluated: 2024-04-24. Review status: criteria provided, single submitter. Criteria: Invitae Variant Classification Sherloc (09022015). Collection method: clinical testing. Allele origin: germline.
Comment: This sequence change replaces alanine, which is neutral and non-polar, with threonine, which is neutral and polar, at codon 1272 of the GRIN2A protein (p.Ala1272Thr). This variant is not present in population databases (gnomAD no frequency). This variant has not been reported in the literature in individuals affected with GRIN2A-related conditions. Advanced modeling of protein sequence and biophysical properties (such as structural, functional, and spatial information, amino acid conservation, physicochemical variation, residue mobility, and thermodynamic stability) performed at Invitae indicates that this missense variant is not expected to disrupt GRIN2A protein function with a negative predictive value of 95%. In summary, the available evidence is currently insufficient to determine the role of this variant in disease. Therefore, it has been classified as a Variant of Uncertain Significance.